The following is an entry in ClinVar:

NM_000113.3(TOR1A):c.26G>C (p.Gly9Ala)

Genes: TOR1A (torsin family 1 member A; minus strand), LOC130002772 (ATAC-STARR-seq lymphoblastoid active region 29122; plus strand). Cytogenetic location: 9q34.11.
Variant type: single nucleotide variant.
Coding change: c.26G>C on transcript NM_000113.3 (MANE Select); coding-DNA position 26, G replaced by C.
Protein change: p.Gly9Ala; replaces glycine 9 with alanine.
Molecular consequence: missense variant.
Genome position (GRCh38, 1-based): chr9:129,824,060, C>G on the plus strand (G>C on the coding strand, the complement: TOR1A is on the minus strand). VCF-style: chr9-129824060-C-G. GRCh37 (hg19) VCF-style: chr9-132586339-C-G.
Other names: short protein forms G9A.
Identifiers: ClinVar variation 365234 (VCV000365234.39), dbSNP rs200493208, ClinGen allele CA5278770.

ClinVar aggregate classification (germline): Benign/Likely benign. Review status: criteria provided, multiple submitters, no conflicts (2 of 4 stars). 3 submissions from 3 submitters: Benign (1); Likely benign (2). Last evaluated 2026-01-15.

Conditions:
Dystonic disorder. Also called: Dystonia. Identifiers: MedGen C0013421, MONDO:0003441, HP:0001332.
Early-onset generalized limb-onset dystonia. Also called: Dystonia-1, torsion; Oppenheim's dystonia; Dystonia 1, modifier of; DYT1 Early-Onset Primary Dystonia; Early onset torsion dystonia; DYT-TOR1A. Identifiers: Orphanet 256, MedGen C1851945, MONDO:0007492, OMIM 128100.

Allele frequency attached by ClinVar (database versions not stated): TOPMed 0.00025; 1000 Genomes Project 0.00060; 1000 Genomes Project 30x 0.00078; gnomAD exomes 0.00136 and 0.00314; gnomAD 0.00255 and 0.00265; ExAC 0.00401.
gnomAD v4.1: 2,382 of 1,596,450 alleles (0.15%); highest among the groups gnomAD compares: South Asian, 0.13%; 41 homozygotes.

Submissions (3):

Labcorp Genetics (formerly Invitae), Labcorp
Classification: Benign for Dystonic disorder. Last evaluated: 2026-01-15. Review status: criteria provided, single submitter. Criteria: Invitae Variant Classification Sherloc (09022015). Collection method: clinical testing. Allele origin: germline.

CeGaT Center for Human Genetics Tuebingen
Classification: Likely benign. Last evaluated: 2024-01-01. Review status: criteria provided, single submitter. Criteria: CeGaT Center For Human Genetics Tuebingen Variant Classification Criteria Version 2. Collection method: clinical testing. Allele origin: germline. Affected: yes. Observed: 2 variant alleles.
Comment: TOR1A: BS2

Illumina Laboratory Services, Illumina
Classification: Likely benign for Early-onset generalized limb-onset dystonia. Last evaluated: 2018-01-13. Review status: criteria provided, single submitter. Criteria: ICSL Variant Classification Criteria 13 December 2019. Collection method: clinical testing. Allele origin: germline.
Comment: This variant was observed in the ICSL laboratory as part of a predisposition screen in an ostensibly healthy population. It had not been previously curated by ICSL or reported in the Human Gene Mutation Database (HGMD: prior to June 1st, 2018), and was therefore a candidate for classification through an automated scoring system. Utilizing variant allele frequency, disease prevalence and penetrance estimates, and inheritance mode, an automated score was calculated to assess if this variant is too frequent to cause the disease. Based on the score and internal cut-off values, a variant classified as likely benign is not then subjected to further curation. The score for this variant resulted in a classification of likely benign for this disease.